The following is an entry in ClinVar:

ClinVar aggregate classification (germline): Uncertain significance. Review status: criteria provided, multiple submitters, no conflicts (2 of 4 stars). 2 submissions from 2 submitters: Uncertain significance (2). Last evaluated 2026-08-19.

Conditions:
Cornelia de Lange syndrome 6 (CDLS6). Identifiers: MedGen C5882712, MONDO:0957921, OMIM 620568.
AFF4-related disorder. Also called: AFF4-related condition.

gnomAD v4.1: 1 of 1,614,130 alleles (0.000062%); highest among the groups gnomAD compares: South Asian, 0.0011%; no homozygotes.

Submissions (2):

PreventionGenetics, part of Exact Sciences
Classification: Uncertain significance for AFF4-related condition. Last evaluated: 2026-08-19. Review status: criteria provided, single submitter. Criteria: ACMG Guidelines, 2015. Collection method: clinical testing. Allele origin: germline.
Comment: The AFF4 c.2480A>G variant is predicted to result in the amino acid substitution p.Glu827Gly. To our knowledge, this variant has not been reported in the literature or in a large population database (gnomAD), indicating this variant is rare. At this time, the clinical significance of this variant is uncertain due to the absence of conclusive functional and genetic evidence.

Department of Pathology and Laboratory Medicine, Sinai Health System
Classification: Uncertain significance for Cornelia de Lange syndrome 6. Last evaluated: 2022-09-21. Review status: criteria provided, single submitter. Criteria: ACMG Guidelines, 2015. Collection method: research. Allele origin: germline.

NM_014423.4(AFF4):c.2480A>G (p.Glu827Gly)

Gene: AFF4 (ALF transcription elongation factor 4; minus strand). Cytogenetic location: 5q31.1.
Variant type: single nucleotide variant.
Coding change: c.2480A>G on transcript NM_014423.4 (MANE Select); coding-DNA position 2480, A replaced by G.
Protein change: p.Glu827Gly; replaces glutamic acid 827 with glycine.
Molecular consequence: missense variant.
Genome position (GRCh38, 1-based): chr5:132,892,321, T>C on the plus strand (A>G on the coding strand, the complement: AFF4 is on the minus strand). VCF-style: chr5-132892321-T-C. GRCh37 (hg19) VCF-style: chr5-132228013-T-C.
Other names: c.2480A>G (NM_014423.3); short protein forms E827G.
Identifiers: ClinVar variation 3779237 (VCV003779237.2).